The following is an entry in ClinVar:

NM_014639.4(SKIC3):c.1144G>A (p.Ala382Thr)

Gene: SKIC3 (SKI3 subunit of superkiller complex; minus strand). Cytogenetic location: 5q15.
Variant type: single nucleotide variant.
Coding change: c.1144G>A on transcript NM_014639.4 (MANE Select); coding-DNA position 1144, G replaced by A.
Protein change: p.Ala382Thr; replaces alanine 382 with threonine.
Molecular consequence: missense variant.
Genome position (GRCh38, 1-based): chr5:95,525,664, C>T on the plus strand (G>A on the coding strand, the complement: SKIC3 is on the minus strand). VCF-style: chr5-95525664-C-T. GRCh37 (hg19) VCF-style: chr5-94861368-C-T.
Other names: short protein forms A382T.
Identifiers: ClinVar variation 2614652 (VCV002614652.3), dbSNP rs1274335378, ClinGen allele CA360464963.

ClinVar aggregate classification (germline): Uncertain significance (1 of 4 stars; one submission).

Conditions:
Inborn genetic diseases. Identifiers: MedGen C0950123, MeSH D030342.

Allele frequency attached by ClinVar (database versions not stated): gnomAD exomes 0.00001; TOPMed 0.00001.
gnomAD v4.1: 14 of 1,613,906 alleles (0.00087%); highest among the groups gnomAD compares: South Asian, 0.014%; no homozygotes.

Submission:

Ambry Genetics
Classification: Uncertain significance for Inborn genetic diseases. Last evaluated: 2026-09-11. Review status: criteria provided, single submitter. Criteria: Ambry Variant Classification Scheme 2023. Collection method: clinical testing. Allele origin: germline.
Comment: The c.1144G>A (p.A382T) alteration is located in exon 14 (coding exon 11) of the TTC37 gene. This alteration results from a G to A substitution at nucleotide position 1144, causing the alanine (A) at amino acid position 382 to be replaced by a threonine (T). Based on data from gnomAD, the A allele has an overall frequency of <0.001% (1/250524) total alleles studied. The highest observed frequency was 0.003% (1/30596) of South Asian alleles. Based on insufficient or conflicting evidence, the clinical significance of this alteration remains unclear.